The following is an entry in ClinVar:

ClinVar aggregate classification (germline): Uncertain significance (1 of 4 stars; one submission).

Conditions:
Hereditary cancer-predisposing syndrome. Also called: Tumor predisposition; Hereditary Cancer Syndrome; Neoplastic Syndromes, Hereditary; Hereditary neoplastic syndrome. Identifiers: Orphanet 140162, MedGen C0027672, MeSH D009386, MONDO:0015356.

Submission:

Color Diagnostics, LLC DBA Color Health
Classification: Uncertain significance for Hereditary cancer-predisposing syndrome. Last evaluated: 2025-06-12. Review status: criteria provided, single submitter. Criteria: ACMG Guidelines, 2015. Collection method: clinical testing. Allele origin: germline.
Comment: This variant causes a two amino acid duplication in exon 8 of the STK11 protein. To our knowledge, functional studies have not been reported for this variant. This variant has not been reported in individuals affected with STK11-related disorders in the literature. This variant has not been identified in the general population by the Genome Aggregation Database (gnomAD). The available evidence is insufficient to determine the role of this variant in disease conclusively. Therefore, this variant is classified as a Variant of Uncertain Significance.

NM_000455.5(STK11):c.1037_1042dup (p.Ala347_Asp348insGlyAla)

Genes: STK11 (serine/threonine kinase 11; plus strand), LOC130062899 (ATAC-STARR-seq lymphoblastoid active region 13597; plus strand). Cytogenetic location: 19p13.3.
Variant type: Duplication.
Coding change: c.1037_1042dup on transcript NM_000455.5 (MANE Select); coding-DNA positions 1037 to 1042, 6 bases duplicated (GCGCGG; older notation c.1037_1042dupGCGCGG).
Protein change: p.Ala347_Asp348insGlyAla.
Molecular consequence: inframe insertion. On other transcripts: non-coding transcript variant (1).
Genome position (GRCh38, 1-based): chr19:1,223,101-1,223,106, GCGCGG duplicated; duplicating any 6 consecutive bases within chr19:1,223,100-1,223,106 gives the same sequence; the c. name uses the placement nearest the transcript's 3' end. VCF-style (leftmost placement, unchanged base first): chr19-1223099-C-CGGCGCG. GRCh37 (hg19) VCF-style: chr19-1223098-C-CGGCGCG.
Other names: c.1037_1042dup, p.Ala347_Asp348insGlyAla (NM_001407255.1).
Identifiers: ClinVar variation 4757285 (VCV004757285.1).